The following is an entry in ClinVar:

NC_000023.11:g.154547746G>T

Genes: G6PD (glucose-6-phosphate dehydrogenase; minus strand), IKBKG (inhibitor of nuclear factor kappa B kinase regulatory subunit gamma; plus strand), LOC107181288 (origin of replication in promoter of G6PD; plus strand), LOC130068881 (ATAC-STARR-seq lymphoblastoid active region 30067; plus strand). Cytogenetic location: Xq28.
Variant type: single nucleotide variant.
Molecular consequence: splice donor variant (on NM_001099857.5). On other transcripts: intron variant (4).
Genome position: GRCh38 VCF-style: chrX-154547746-G-T. GRCh37 (hg19) VCF-style: chrX-153775961-G-T.
Other names: c.-15-4242G>T (NM_001377312.1, NM_001377313.1, NM_001321396.3); c.190-4242G>T (NM_001099856.6); c.-16+1G>T (NM_001145255.4, NM_001321397.3, NM_001377314.1 and 2 more transcripts).
Identifiers: ClinVar variation 1410921 (VCV001410921.6), dbSNP rs2148357351, ClinGen allele CA2573159453.

ClinVar aggregate classification (germline): Uncertain significance (1 of 4 stars; one submission).

Conditions:
Anemia, nonspherocytic hemolytic, due to G6PD deficiency (CNSHA1). Also called: Hemolytic anemia due to G6PD deficiency; ANEMIA, CONGENITAL, NONSPHEROCYTIC HEMOLYTIC, 1; Class I glucose-6-phosphate dehydrogenase deficiency; Favism, susceptibility to. Identifiers: Orphanet 466026, MedGen C2720289, MONDO:0010480, OMIM 300908.

Submission:

Labcorp Genetics (formerly Invitae), Labcorp
Classification: Uncertain significance for Anemia, nonspherocytic hemolytic, due to G6PD deficiency. Last evaluated: 2021-05-18. Review status: criteria provided, single submitter. Criteria: Invitae Variant Classification Sherloc (09022015). Collection method: clinical testing. Allele origin: germline.
Comment: This variant has not been reported in the literature in individuals with G6PD-related conditions. Experimental studies and prediction algorithms are not available or were not evaluated, and the functional significance of this variant is currently unknown. In summary, the available evidence is currently insufficient to determine the role of this variant in disease. Therefore, it has been classified as a Variant of Uncertain Significance. The frequency data for this variant in the population databases is considered unreliable, as metrics indicate insufficient coverage at this position in the ExAC database. This variant occurs in a non-coding region of the G6PD gene. It does not change the encoded amino acid sequence of the G6PD protein.